The following is an entry in ClinVar:

NM_000393.5(COL5A2):c.1184G>A (p.Arg395Gln)

Gene: COL5A2 (collagen type V alpha 2 chain; minus strand). Cytogenetic location: 2q32.2.
Variant type: single nucleotide variant.
Coding change: c.1184G>A on transcript NM_000393.5 (MANE Select); coding-DNA position 1184, G replaced by A.
Protein change: p.Arg395Gln; replaces arginine 395 with glutamine.
Molecular consequence: missense variant.
Genome position (GRCh38, 1-based): chr2:189,068,859, C>T on the plus strand (G>A on the coding strand, the complement: COL5A2 is on the minus strand). VCF-style: chr2-189068859-C-T. GRCh37 (hg19) VCF-style: chr2-189933585-C-T.
Other names: p.R395Q:CGA>CAA; short protein forms R395Q.
Identifiers: ClinVar variation 213144 (VCV000213144.8), dbSNP rs766119748, ClinGen allele CA324806.

ClinVar aggregate classification (germline): Uncertain significance. Review status: criteria provided, multiple submitters, no conflicts (2 of 4 stars). 3 submissions from 3 submitters: Uncertain significance (3). Last evaluated 2026-01-21.

Conditions:
Ehlers-Danlos syndrome, classic type, 1 (EDSCL1). Also called: Ehlers-Danlos Syndrome, Classic Type, COL5A1-Related; EHLERS-DANLOS SYNDROME, GRAVIS TYPE; EHLERS-DANLOS SYNDROME, SEVERE CLASSIC TYPE; Ehlers-Danlos syndrome, type 1; EDS I. Identifiers: MedGen C0268335, MONDO:0019567, OMIM 130000.
Familial thoracic aortic aneurysm and aortic dissection (TAAD). Also called: Thoracic aortic aneurysms and dissections. Identifiers: Orphanet 91387, MedGen C4707243, MONDO:0019625.

Allele frequency attached by ClinVar (database versions not stated): TOPMed 0.00001.
gnomAD v4.1: 8 of 1,612,926 alleles (0.0005%); highest among the groups gnomAD compares: Non-Finnish European, 0.00068%; no homozygotes.

Submissions (3):

Labcorp Genetics (formerly Invitae), Labcorp
Classification: Uncertain significance for Ehlers-Danlos syndrome, classic type, 1. Last evaluated: 2026-01-21. Review status: criteria provided, single submitter. Criteria: Invitae Variant Classification Sherloc (09022015). Collection method: clinical testing. Allele origin: germline.
Comment: This sequence change replaces arginine, which is basic and polar, with glutamine, which is neutral and polar, at codon 395 of the COL5A2 protein (p.Arg395Gln). This variant is not present in population databases (gnomAD no frequency). This variant has not been reported in the literature in individuals affected with COL5A2-related conditions. ClinVar contains an entry for this variant (Variation ID: 213144). Invitae Evidence Modeling of protein sequence and biophysical properties (such as structural, functional, and spatial information, amino acid conservation, physicochemical variation, residue mobility, and thermodynamic stability) indicates that this missense variant is not expected to disrupt COL5A2 protein function with a negative predictive value of 80%. In summary, the available evidence is currently insufficient to determine the role of this variant in disease. Therefore, it has been classified as a Variant of Uncertain Significance.

Ambry Genetics
Classification: Uncertain significance for Familial thoracic aortic aneurysm and aortic dissection. Last evaluated: 2023-02-13. Review status: criteria provided, single submitter. Criteria: Ambry Variant Classification Scheme 2023. Collection method: clinical testing. Allele origin: germline.
Comment: The p.R395Q variant (also known as c.1184G>A), located in coding exon 19 of the COL5A2 gene, results from a G to A substitution at nucleotide position 1184. The arginine at codon 395 is replaced by glutamine, an amino acid with highly similar properties. This amino acid position is highly conserved in available vertebrate species. In addition, the in silico prediction for this alteration is inconclusive. Since supporting evidence is limited at this time, the clinical significance of this alteration remains unclear.

GeneDx
Classification: Uncertain significance. Last evaluated: 2019-01-17. Review status: criteria provided, single submitter. Criteria: GeneDx Variant Classification (06012015). Collection method: clinical testing. Allele origin: germline. Affected: yes.
Comment: TAAD is a genetically heterogeneous disorder characterized by aortic dilatation, aneurysms, dissections and/or aneurysms of other major arteries. Approximately 4% of patients with autosomal dominant Ehlers-Danlos syndrome, classic type, have been reported to have a mutation in the COL5A2 gene (Malfait F et al., 2011). p.Arg395Gln (CGA>CAA): c.1184 G>A in exon 19 of the COL5A2 gene (NM_000393.3) A variant of unknown significance has been identified in the COL5A2 gene. The R395Q variant has not been published as a mutation, nor has it been reported as a benign polymorphism to our knowledge. The R395Q variant was not observed in approximately 6,500 individuals of European and African American ancestry in the NHLBI Exome Sequencing Project, indicating it is not a common benign variant in these populations. The R395Q variant is a semi-conservative amino acid substitution, which may impact secondary protein structure as these residues differ in some properties. Additionally, this substitution occurs at a position that is conserved across species and in silico analysis predicts this variant is probably damaging to the protein structure/function. However, only one missense mutation in a nearby residue (G396R) has been in association with EDS indicating this region of the protein may be tolerant of change. Therefore, based on the currently available information, it is unclear whether this variant is a pathogenic mutation or a rare benign variant. This variant was found in TAAD.